The following is an entry in ClinVar:

ClinVar aggregate classification (germline): Uncertain significance. Review status: criteria provided, multiple submitters, no conflicts (2 of 4 stars). 3 submissions from 3 submitters: Uncertain significance (3). Last evaluated 2025-07-15.

Conditions:
Inborn genetic diseases. Identifiers: MedGen C0950123, MeSH D030342.
NKX2-6-related disorder. Also called: NKX2-6-related condition.
Conotruncal heart malformations (CTHM). Also called: Conotruncal heart malformations, variable. Identifiers: Orphanet 2445, Orphanet 3384, Orphanet 3426, MedGen C1857586, MONDO:0016581, OMIM 217095.

Allele frequency attached by ClinVar (database versions not stated): gnomAD exomes 0.00002 and 0.00006; TOPMed 0.00002; gnomAD 0.00003.
gnomAD v4.1: 85 of 1,551,326 alleles (0.0055%); highest among the groups gnomAD compares: Non-Finnish European, 0.0071%; no homozygotes.

Submissions (3):

Ambry Genetics
Classification: Uncertain significance for Inborn genetic diseases. Last evaluated: 2025-07-15. Review status: criteria provided, single submitter. Criteria: Ambry Variant Classification Scheme 2023. Collection method: clinical testing. Allele origin: germline.

PreventionGenetics, part of Exact Sciences
Classification: Uncertain significance for NKX2-6-related condition. Last evaluated: 2023-10-03. Review status: criteria provided, single submitter. Criteria: ACMG Guidelines, 2015. Collection method: clinical testing. Allele origin: germline.
Comment: The NKX2-6 c.644G>A variant is predicted to result in the amino acid substitution p.Arg215His. To our knowledge, this variant has not been reported in the literature. This variant is reported in 0.0051% of alleles in individuals of European (Non-Finnish) descent in gnomAD. At this time, the clinical significance of this variant is uncertain due to the absence of conclusive functional and genetic evidence.

Labcorp Genetics (formerly Invitae), Labcorp
Classification: Uncertain significance for Conotruncal heart malformations. Last evaluated: 2022-07-26. Review status: criteria provided, single submitter. Criteria: Invitae Variant Classification Sherloc (09022015). Collection method: clinical testing. Allele origin: germline.
Comment: This sequence change replaces arginine, which is basic and polar, with histidine, which is basic and polar, at codon 215 of the NKX2-6 protein (p.Arg215His). In summary, the available evidence is currently insufficient to determine the role of this variant in disease. Therefore, it has been classified as a Variant of Uncertain Significance. Algorithms developed to predict the effect of missense changes on protein structure and function are either unavailable or do not agree on the potential impact of this missense change (SIFT: "Tolerated"; PolyPhen-2: "Possibly Damaging"; Align-GVGD: "Class C0"). ClinVar contains an entry for this variant (Variation ID: 1368828). This variant has not been reported in the literature in individuals affected with NKX2-6-related conditions. This variant is present in population databases (no rsID available, gnomAD 0.004%).

NM_001136271.3(NKX2-6):c.644G>A (p.Arg215His)

Gene: NKX2-6 (NK2 homeobox 6; minus strand). Cytogenetic location: 8p21.2.
Variant type: single nucleotide variant.
Coding change: c.644G>A on transcript NM_001136271.3 (MANE Select); coding-DNA position 644, G replaced by A.
Protein change: p.Arg215His; replaces arginine 215 with histidine.
Molecular consequence: missense variant.
Genome position (GRCh38, 1-based): chr8:23,702,713, C>T on the plus strand (G>A on the coding strand, the complement: NKX2-6 is on the minus strand). VCF-style: chr8-23702713-C-T. GRCh37 (hg19) VCF-style: chr8-23560226-C-T.
Other names: c.644G>A (NM_001136271.2); short protein forms R215H.
Identifiers: ClinVar variation 1368828 (VCV001368828.7), dbSNP rs916318048, ClinGen allele CA174010901.